The following is an entry in ClinVar:

ClinVar aggregate classification (germline): Uncertain significance (1 of 4 stars; one submission).

Conditions:
Joubert syndrome 23 (JBTS23). Identifiers: Orphanet 475, MedGen C4084822, MONDO:0014664, OMIM 616490.
Short-rib thoracic dysplasia 14 with polydactyly (SRTD14). Identifiers: Orphanet 397715, MedGen C4225286, MONDO:0014688, OMIM 616546.

Submission:

Labcorp Genetics (formerly Invitae), Labcorp
Classification: Uncertain significance for Joubert syndrome 23; Short-rib thoracic dysplasia 14 with polydactyly. Last evaluated: 2021-09-24. Review status: criteria provided, single submitter. Criteria: Invitae Variant Classification Sherloc (09022015). Collection method: clinical testing. Allele origin: germline.
Comment: In summary, the available evidence is currently insufficient to determine the role of this variant in disease. Therefore, it has been classified as a Variant of Uncertain Significance. Experimental studies and prediction algorithms are not available or were not evaluated, and the functional significance of this variant is currently unknown. This variant has not been reported in the literature in individuals affected with KIAA0586-related conditions. This variant is present in population databases (rs770153870, ExAC 0.01%). This variant, c.3528_3530del, results in the deletion of 1 amino acid(s) of the KIAA0586 protein (p.Pro1177del), but otherwise preserves the integrity of the reading frame.

NM_001329943.3(KIAA0586):c.3366TCC[1] (p.Pro1124del)

Gene: KIAA0586 (KIAA0586; plus strand). Cytogenetic location: 14q23.1.
Variant type: Microsatellite.
Coding change: c.3366TCC[1] on transcript NM_001329943.3 (MANE Select); one copy of the 3-base unit TCC starting at c.3366; the reference has two copies in a row; one copy, 3 bases deleted.
Protein change: p.Pro1124del; deletes proline 1124.
Molecular consequence: inframe deletion.
Genome position (GRCh38, 1-based): chr14:58,487,951-58,487,953, TCC deleted; deleting any 3 consecutive bases within chr14:58,487,946-58,487,953 gives the same sequence; the position shown is the placement nearest the transcript's 3' end. VCF-style (leftmost placement, unchanged base first): chr14-58487945-ACCT-A. GRCh37 (hg19) VCF-style: chr14-58954663-ACCT-A.
Other names: c.3525TCC[1], p.Pro1177del (NM_001244189.2); c.3321TCC[1], p.Pro1109del (NM_001244190.2); c.3111TCC[1], p.Pro1039del (NM_001244191.2, NM_001329945.2, NM_001364700.1 and 1 more transcripts); c.3234TCC[1], p.Pro1080del (NM_001244192.2); c.2946TCC[1], p.Pro984del (NM_001244193.2); c.3366TCC[1], p.Pro1124del (NM_001329944.2, NM_001329946.2, NM_001329947.2); c.3138TCC[1], p.Pro1048del (NM_014749.5); short protein forms P1039del, P1177del, P984del, P1124del, P1048del, P1080del, P1109del.
Identifiers: ClinVar variation 1492523 (VCV001492523.6), dbSNP rs770153870, ClinGen allele CA7206143.